The following is an entry in ClinVar:

ClinVar aggregate classification (germline): Likely benign (1 of 4 stars; one submission).

Allele frequency attached by ClinVar (database versions not stated): gnomAD exomes 0.00001; ExAC 0.00002.
gnomAD v4.1: 13 of 1,609,496 alleles (0.00081%); highest among the groups gnomAD compares: South Asian, 0.012%; no homozygotes.

Submission:

CeGaT Center for Human Genetics Tuebingen
Classification: Likely benign. Last evaluated: 2022-09-01. Review status: criteria provided, single submitter. Criteria: CeGaT Center For Human Genetics Tuebingen Variant Classification Criteria Version 2. Collection method: clinical testing. Allele origin: germline. Affected: yes. Observed: 1 variant allele.
Comment: SPEF2: BP4

NM_024867.4(SPEF2):c.4189G>T (p.Gly1397Cys)

Gene: SPEF2 (sperm flagellar and cilia associated 2; plus strand). Cytogenetic location: 5p13.2.
Variant type: single nucleotide variant.
Coding change: c.4189G>T on transcript NM_024867.4 (MANE Select); coding-DNA position 4189, G replaced by T.
Protein change: p.Gly1397Cys; replaces glycine 1397 with cysteine.
Molecular consequence: missense variant.
Genome position (GRCh38, 1-based): chr5:35,776,367, G>T. VCF-style: chr5-35776367-G-T. GRCh37 (hg19) VCF-style: chr5-35776469-G-T.
Other names: short protein forms G1397C.
Identifiers: ClinVar variation 2655401 (VCV002655401.24), dbSNP rs750494919, ClinGen allele CA3231332.
Genomic context (GRCh38, chr5:35,776,367, plus strand): 5'-CTTCTTGAAGATTTAGTAACAAAGGTGGTTGATGTATATAAACTCATGGAAAAATGGCTT[G>T]GTGAGAGGTATTTGAATGAAATGGCCAGGTAAAGTACTACATGACTTTCTGAAAATATGC-3'
Protein context (NP_079143.3, residues 1387-1407): DVYKLMEKWL[Gly1397Cys]ERYLNEMAST